The following is an entry in ClinVar:

ClinVar aggregate classification (germline): Uncertain significance (1 of 4 stars; one submission).

Conditions:
Progressive external ophthalmoplegia with mitochondrial DNA deletions, autosomal recessive 1 (PEOB1). Also called: Progressive external ophthalmoplegia, autosomal recessive 1; Autosomal Recessive Progressive External Ophthalmoplegia (arPEO). Identifiers: Orphanet 254886, MedGen C4225153, MONDO:0009783, OMIM 258450.

Submission:

Victorian Clinical Genetics Services, Murdoch Childrens Research Institute
Classification: Uncertain significance for Progressive external ophthalmoplegia with mitochondrial DNA deletions, autosomal recessive 1. Last evaluated: 2020-05-21. Review status: criteria provided, single submitter. Criteria: ACMG Guidelines, 2015. Collection method: clinical testing. Allele origin: germline.
Comment: A heterozygous missense variant was identified, NM_002693.2(POLG):c.1787T>G in exon 10 of 23 of the POLG gene. This substitution is predicted to create a moderate amino acid change from a methionine to an arginine at position 596 of the protein; NP_002684.1(POLG):p.(Met596Arg). The methionine at this position has very high conservation (100 vertebrates, UCSC), and is not situated in a known functional domain (NCBI, PDB). In silico software predicts this variant to be damaging (PolyPhen2, SIFT, CADD, Mutation Taster). The variant is not present in the gnomAD population database, and has not previously been reported in clinical cases. A different variant in the same codon resulting in a change to a threonine has been reported as a variant of uncertain significance (ClinVar). Based on information available at the time of curation, this variant has been classified as a VUS. Legend: (P) - Pathogenic, (N) - Neutral, (B) - Benign

NM_002693.3(POLG):c.1787T>G (p.Met596Arg)

Gene: POLG (DNA polymerase gamma, catalytic subunit; minus strand). Cytogenetic location: 15q26.1.
Variant type: single nucleotide variant.
Coding change: c.1787T>G on transcript NM_002693.3 (MANE Select); coding-DNA position 1787, T replaced by G.
Protein change: p.Met596Arg; replaces methionine 596 with arginine.
Molecular consequence: missense variant.
Genome position (GRCh38, 1-based): chr15:89,325,612, A>C on the plus strand (T>G on the coding strand, the complement: POLG is on the minus strand). VCF-style: chr15-89325612-A-C. GRCh37 (hg19) VCF-style: chr15-89868843-A-C.
Other names: c.1787T>G, p.Met596Arg (NM_001126131.2); short protein forms M596R.
Identifiers: ClinVar variation 3377489 (VCV003377489.1).